The following is an entry in ClinVar:

ClinVar aggregate classification (germline): Uncertain significance (1 of 4 stars; one submission).

Allele frequency attached by ClinVar (database versions not stated): gnomAD exomes 0.00001; gnomAD 0.00002.
gnomAD v4.1: 22 of 1,591,602 alleles (0.0014%); highest among the groups gnomAD compares: Non-Finnish European, 0.0019%; no homozygotes.

Submission:

Labcorp Genetics (formerly Invitae), Labcorp
Classification: Uncertain significance. Last evaluated: 2022-09-12. Review status: criteria provided, single submitter. Criteria: Invitae Variant Classification Sherloc (09022015). Collection method: clinical testing. Allele origin: germline.
Comment: This sequence change falls in intron 5 of the TRAF3IP1 gene. It does not directly change the encoded amino acid sequence of the TRAF3IP1 protein. The frequency data for this variant in the population databases is considered unreliable, as metrics indicate poor data quality at this position in the gnomAD database. This variant has not been reported in the literature in individuals affected with TRAF3IP1-related conditions. ClinVar contains an entry for this variant (Variation ID: 1061992). Algorithms developed to predict the effect of sequence changes on RNA splicing suggest that this variant may disrupt the consensus splice site. In summary, the available evidence is currently insufficient to determine the role of this variant in disease. Therefore, it has been classified as a Variant of Uncertain Significance.

NM_015650.4(TRAF3IP1):c.916-4A>G

Gene: TRAF3IP1 (TRAF3 interacting protein 1; plus strand). Cytogenetic location: 2q37.3.
Variant type: single nucleotide variant.
Coding change: c.916-4A>G on transcript NM_015650.4 (MANE Select); 4 bases into the intron before coding-DNA position 916, A replaced by G.
Molecular consequence: intron variant.
Genome position (GRCh38, 1-based): chr2:238,332,820, A>G. VCF-style: chr2-238332820-A-G. GRCh37 (hg19) VCF-style: chr2-239241461-A-G.
Other names: c.916-4A>G (NM_001139490.1).
Identifiers: ClinVar variation 1061992 (VCV001061992.6), dbSNP rs778376663, ClinGen allele CA2198196.